The following is an entry in ClinVar:

ClinVar aggregate classification (germline): Uncertain significance (1 of 4 stars; one submission).

gnomAD v4.1: 5 of 1,613,822 alleles (0.00031%); highest among the groups gnomAD compares: East Asian, 0.0022%; no homozygotes.

Submission:

Labcorp Genetics (formerly Invitae), Labcorp
Classification: Uncertain significance. Last evaluated: 2024-10-29. Review status: criteria provided, single submitter. Criteria: Invitae Variant Classification Sherloc (09022015). Collection method: clinical testing. Allele origin: germline.
Comment: This sequence change falls in intron 1 of the SPP2 gene. It does not directly change the encoded amino acid sequence of the SPP2 protein. This variant is not present in population databases (gnomAD no frequency). This variant has not been reported in the literature in individuals affected with SPP2-related conditions. ClinVar contains an entry for this variant (Variation ID: 1370240). Algorithms developed to predict the effect of sequence changes on RNA splicing suggest that this variant may disrupt the consensus splice site. In summary, the available evidence is currently insufficient to determine the role of this variant in disease. Therefore, it has been classified as a Variant of Uncertain Significance.

NM_006944.3(SPP2):c.86-9C>A

Gene: SPP2 (secreted phosphoprotein 2; plus strand). Cytogenetic location: 2q37.1.
Variant type: single nucleotide variant.
Coding change: c.86-9C>A on transcript NM_006944.3 (MANE Select); 9 bases into the intron before coding-DNA position 86, C replaced by A.
Molecular consequence: intron variant.
Genome position (GRCh38, 1-based): chr2:234,050,962, C>A. VCF-style: chr2-234050962-C-A. GRCh37 (hg19) VCF-style: chr2-234959606-C-A.
Identifiers: ClinVar variation 1370240 (VCV001370240.8), dbSNP rs202019698, ClinGen allele CA1043584458.